The following is an entry in ClinVar:

NM_020041.3(SLC2A9):c.1291+6G>A

Gene: SLC2A9 (solute carrier family 2 member 9; minus strand). Cytogenetic location: 4p16.1.
Variant type: single nucleotide variant.
Coding change: c.1291+6G>A on transcript NM_020041.3 (MANE Select); 6 bases into the intron after coding-DNA position 1291, G replaced by A.
Molecular consequence: intron variant.
Genome position (GRCh38, 1-based): chr4:9,887,561, C>T on the plus strand (G>A on the coding strand, the complement: SLC2A9 is on the minus strand). VCF-style: chr4-9887561-C-T. GRCh37 (hg19) VCF-style: chr4-9889185-C-T.
Other names: c.1204+6G>A (NM_001001290.2).
Identifiers: ClinVar variation 2961021 (VCV002961021.3), dbSNP rs747922850, ClinGen allele CA2856915.

ClinVar aggregate classification (germline): Uncertain significance (1 of 4 stars; one submission).

Allele frequency attached by ClinVar (database versions not stated): TOPMed 0.00001; gnomAD 0.00003; gnomAD exomes 0.00005; ExAC 0.00009.
gnomAD v4.1: 79 of 1,556,628 alleles (0.0051%); highest among the groups gnomAD compares: Non-Finnish European, 0.0063%; no homozygotes.

Submission:

Labcorp Genetics (formerly Invitae), Labcorp
Classification: Uncertain significance. Last evaluated: 2023-10-03. Review status: criteria provided, single submitter. Criteria: Invitae Variant Classification Sherloc (09022015). Collection method: clinical testing. Allele origin: germline.
Comment: This sequence change falls in intron 10 of the SLC2A9 gene. It does not directly change the encoded amino acid sequence of the SLC2A9 protein. It affects a nucleotide within the consensus splice site. The frequency data for this variant in the population databases is considered unreliable, as metrics indicate poor data quality at this position in the gnomAD database. This variant has not been reported in the literature in individuals affected with SLC2A9-related conditions. Variants that disrupt the consensus splice site are a relatively common cause of aberrant splicing (PMID: 17576681, 9536098). Algorithms developed to predict the effect of sequence changes on RNA splicing suggest that this variant is not likely to affect RNA splicing. In summary, the available evidence is currently insufficient to determine the role of this variant in disease. Therefore, it has been classified as a Variant of Uncertain Significance.

Literature cited by the submitters: PubMed 17576681; PubMed 9536098.